The following is an entry in ClinVar:

ClinVar aggregate classification (germline): Uncertain significance. Review status: criteria provided, multiple submitters, no conflicts (2 of 4 stars). 2 submissions from 2 submitters: Uncertain significance (2). Last evaluated 2024-07-04.

Conditions:
Inborn genetic diseases. Identifiers: MedGen C0950123, MeSH D030342.
Focal segmental glomerulosclerosis 5 (FSGS5). Identifiers: Orphanet 656, MedGen C2750475, MONDO:0013191, OMIM 613237.
Charcot-Marie-Tooth disease dominant intermediate E. Also called: CHARCOT-MARIE-TOOTH NEUROPATHY WITH FOCAL SEGMENTAL GLOMERULONEPHRITIS. Identifiers: Orphanet 93114, MedGen C4302667, MONDO:0013758, OMIM 614455.

Allele frequency attached by ClinVar (database versions not stated): gnomAD exomes below 0.00001; TOPMed below 0.00001.
gnomAD v4.1: 3 of 1,612,522 alleles (0.00019%); highest among the groups gnomAD compares: Non-Finnish European, 0.00025%; no homozygotes.

Submissions (2):

Labcorp Genetics (formerly Invitae), Labcorp
Classification: Uncertain significance for Charcot-Marie-Tooth disease dominant intermediate E; Focal segmental glomerulosclerosis 5. Last evaluated: 2024-07-04. Review status: criteria provided, single submitter. Criteria: Invitae Variant Classification Sherloc (09022015). Collection method: clinical testing. Allele origin: germline.
Comment: This sequence change replaces histidine, which is basic and polar, with glutamine, which is neutral and polar, at codon 812 of the INF2 protein (p.His812Gln). This variant is not present in population databases (gnomAD no frequency). This variant has not been reported in the literature in individuals affected with INF2-related conditions. ClinVar contains an entry for this variant (Variation ID: 1791228). Advanced modeling of protein sequence and biophysical properties (such as structural, functional, and spatial information, amino acid conservation, physicochemical variation, residue mobility, and thermodynamic stability) performed at Invitae indicates that this missense variant is not expected to disrupt INF2 protein function with a negative predictive value of 95%. In summary, the available evidence is currently insufficient to determine the role of this variant in disease. Therefore, it has been classified as a Variant of Uncertain Significance.

Ambry Genetics
Classification: Uncertain significance for Inborn genetic diseases. Last evaluated: 2021-07-28. Review status: criteria provided, single submitter. Criteria: Ambry Variant Classification Scheme 2023. Collection method: clinical testing. Allele origin: germline.
Comment: The p.H812Q variant (also known as c.2436C>G), located in coding exon 15 of the INF2 gene, results from a C to G substitution at nucleotide position 2436. The histidine at codon 812 is replaced by glutamine, an amino acid with highly similar properties. This amino acid position is conserved. In addition, this alteration is predicted to be tolerated by in silico analysis. Since supporting evidence is limited at this time, the clinical significance of this alteration remains unclear.

NM_022489.4(INF2):c.2436C>G (p.His812Gln)

Gene: INF2 (inverted formin 2; plus strand). Cytogenetic location: 14q32.33.
Variant type: single nucleotide variant.
Coding change: c.2436C>G on transcript NM_022489.4 (MANE Select); coding-DNA position 2436, C replaced by G.
Protein change: p.His812Gln; replaces histidine 812 with glutamine.
Molecular consequence: missense variant.
Genome position (GRCh38, 1-based): chr14:104,711,646, C>G. VCF-style: chr14-104711646-C-G. GRCh37 (hg19) VCF-style: chr14-105177983-C-G.
Other names: c.2436C>G, p.His812Gln (NM_001031714.4); short protein forms H812Q.
Identifiers: ClinVar variation 1791228 (VCV001791228.7), dbSNP rs1890052793, ClinGen allele CA391221323.